The following is an entry in ClinVar:

NM_000444.6(PHEX):c.1173+1G>T

Gene: PHEX (phosphate regulating endopeptidase X-linked; plus strand). Cytogenetic location: Xp22.11.
Variant type: single nucleotide variant.
Coding change: c.1173+1G>T on transcript NM_000444.6 (MANE Select); the canonical splice donor site of the intron after coding-DNA position 1173, G replaced by T.
Molecular consequence: splice donor variant.
Genome position (GRCh38, 1-based): chrX:22,111,561, G>T. VCF-style: chrX-22111561-G-T. GRCh37 (hg19) VCF-style: chrX-22129679-G-T.
Other names: c.1173+1G>T (NM_001282754.2).
Identifiers: ClinVar variation 1408882 (VCV001408882.7), dbSNP rs1064793227, ClinGen allele CA412573287.

ClinVar aggregate classification (germline): Pathogenic. Review status: criteria provided, single submitter (1 of 4 stars). 2 submissions from 2 submitters: Pathogenic (1). 1 of the submissions does not count toward it. Last evaluated 2021-09-03.

Conditions:
Childhood hypophosphatasia. Identifiers: Orphanet 247667, Orphanet 436, MedGen C0220743, MONDO:1010168, OMIM 241510, MONDO:0009428.

Submissions (2):

Labcorp Genetics (formerly Invitae), Labcorp
Classification: Pathogenic. Last evaluated: 2021-09-03. Review status: criteria provided, single submitter. Criteria: Invitae Variant Classification Sherloc (09022015). Collection method: clinical testing. Allele origin: germline.
Comment: For these reasons, this variant has been classified as Pathogenic. Algorithms developed to predict the effect of sequence changes on RNA splicing suggest that this variant may disrupt the consensus splice site. Disruption of this splice site has been observed in individuals with clinical features of hypophosphatemic rickets (PMID: 22101457, 29460029; Invitae). This variant is not present in population databases (ExAC no frequency). This sequence change affects a donor splice site in intron 10 of the PHEX gene. It is expected to disrupt RNA splicing. Variants that disrupt the donor or acceptor splice site typically lead to a loss of protein function (PMID: 16199547), and loss-of-function variants in PHEX are known to be pathogenic (PMID: 9097956, 9106524, 19219621).

Department of Pediatric Endocrinology, Shriners Hospitals for Children - Mexico City
No classification provided. Condition: Childhood hypophosphatasia. Review status: no classification provided. Collection method: phenotyping only. Allele origin: germline. Inheritance: X-linked dominant inheritance. Affected: yes. Observed: 1 variant allele. Not counted in ClinVar's aggregate classification.

Literature cited by the submitters: PubMed 22101457 (cited by Labcorp Genetics (formerly Invitae), Labcorp); PubMed 29460029 (cited by Labcorp Genetics (formerly Invitae), Labcorp); PubMed 16199547 (cited by Labcorp Genetics (formerly Invitae), Labcorp); PubMed 9097956 (cited by Labcorp Genetics (formerly Invitae), Labcorp); PubMed 9106524 (cited by Labcorp Genetics (formerly Invitae), Labcorp); PubMed 19219621 (cited by Labcorp Genetics (formerly Invitae), Labcorp).